The following is an entry in ClinVar:

ClinVar aggregate classification (germline): Uncertain significance (1 of 4 stars; one submission).

Conditions:
Cardiovascular phenotype. Identifiers: MedGen CN230736.

Submission:

Ambry Genetics
Classification: Uncertain significance for Cardiovascular phenotype. Last evaluated: 2025-11-09. Review status: criteria provided, single submitter. Criteria: Ambry Variant Classification Scheme 2023. Collection method: clinical testing. Allele origin: germline.
Comment: The p.A786P variant (also known as c.2356G>C), located in coding exon 15 of the CBL gene, results from a G to C substitution at nucleotide position 2356. The alanine at codon 786 is replaced by proline, an amino acid with highly similar properties. This amino acid position is conserved. In addition, the in silico prediction for this alteration is inconclusive. Based on the available evidence, the clinical significance of this variant remains unclear.

NM_005188.4(CBL):c.2356G>C (p.Ala786Pro)

Gene: CBL (Cbl proto-oncogene; plus strand). Cytogenetic location: 11q23.3.
Variant type: single nucleotide variant.
Coding change: c.2356G>C on transcript NM_005188.4 (MANE Select); coding-DNA position 2356, G replaced by C.
Protein change: p.Ala786Pro; replaces alanine 786 with proline.
Molecular consequence: missense variant.
Genome position (GRCh38, 1-based): chr11:119,298,462, G>C. VCF-style: chr11-119298462-G-C. GRCh37 (hg19) VCF-style: chr11-119169172-G-C.
Other names: short protein forms A786P.
Identifiers: ClinVar variation 4613861 (VCV004613861.1).